The following is an entry in ClinVar:

NM_001104631.2(PDE4D):c.1973C>A (p.Pro658His)

Gene: PDE4D (phosphodiesterase 4D; minus strand). Cytogenetic location: 5q11.2.
Variant type: single nucleotide variant.
Coding change: c.1973C>A on transcript NM_001104631.2 (MANE Select); coding-DNA position 1973, C replaced by A.
Protein change: p.Pro658His; replaces proline 658 with histidine.
Molecular consequence: missense variant.
Genome position (GRCh38, 1-based): chr5:58,975,697, G>T on the plus strand (C>A on the coding strand, the complement: PDE4D is on the minus strand). VCF-style: chr5-58975697-G-T. GRCh37 (hg19) VCF-style: chr5-58271524-G-T.
Other names: c.1790C>A, p.Pro597His (NM_001165899.2, NM_001364599.1); c.1781C>A, p.Pro594His (NM_001197218.2); c.1607C>A, p.Pro536His (NM_001197219.2); c.1583C>A, p.Pro528His (NM_001197220.2); c.1067C>A, p.Pro356His (NM_001197221.2, NM_001364603.1); c.1301C>A, p.Pro434His (NM_001197222.2); c.1100C>A, p.Pro367His (NM_001197223.2); c.1760C>A, p.Pro587His (NM_001349241.2); and 3 more; short protein forms P356H, P367H, P402H, P434H, P522H, P528H, P536H, P548H.
Identifiers: ClinVar variation 1307627 (VCV001307627.2), dbSNP rs2153303523, ClinGen allele CA359813857.

ClinVar aggregate classification (germline): Uncertain significance (1 of 4 stars; one submission).

Submission:

GeneDx
Classification: Uncertain significance. Last evaluated: 2019-08-13. Review status: criteria provided, single submitter. Criteria: GeneDx Variant Classification Process June 2021. Collection method: clinical testing. Allele origin: germline. Affected: yes.
Comment: Not observed in large population cohorts (Lek et al., 2016); In silico analysis, which includes protein predictors and evolutionary conservation, supports a deleterious effect; Has not been previously published as pathogenic or benign to our knowledge